The following is an entry in ClinVar:

NM_201384.3(PLEC):c.9101C>T (p.Ala3034Val)

Gene: PLEC (plectin; minus strand). Cytogenetic location: 8q24.3.
Variant type: single nucleotide variant.
Coding change: c.9101C>T on transcript NM_201384.3 (MANE Select); coding-DNA position 9101, C replaced by T.
Protein change: p.Ala3034Val; replaces alanine 3034 with valine.
Molecular consequence: missense variant.
Genome position (GRCh38, 1-based): chr8:143,920,720, G>A on the plus strand (C>T on the coding strand, the complement: PLEC is on the minus strand). VCF-style: chr8-143920720-G-A. GRCh37 (hg19) VCF-style: chr8-144994888-G-A.
Other names: p.Ala3020Val; c.9182C>T, p.Ala3061Val (NM_000445.5); c.9059C>T, p.Ala3020Val (NM_201378.4); c.9035C>T, p.Ala3012Val (NM_201379.3); c.9512C>T, p.Ala3171Val (NM_201380.4); c.9005C>T, p.Ala3002Val (NM_201381.3); c.9101C>T, p.Ala3034Val (NM_201382.4); c.9113C>T, p.Ala3038Val (NM_201383.3); short protein forms A3002V, A3012V, A3020V, A3034V, A3038V, A3061V, A3171V.
Identifiers: ClinVar variation 93089 (VCV000093089.22), dbSNP rs35858667, ClinGen allele CA146627.

ClinVar aggregate classification (germline): Benign/Likely benign. Review status: criteria provided, multiple submitters, no conflicts (2 of 4 stars). 8 submissions from 8 submitters: Benign (5); Likely benign (2). 1 of the submissions does not count toward it. Last evaluated 2026-02-02.

Conditions:
Epidermolysis bullosa simplex with nail dystrophy (EBS5D). Identifiers: MedGen C4225309, MONDO:0014661, OMIM 616487.
Epidermolysis bullosa simplex 5C, with pyloric atresia (EBS5C). Also called: PLEC-Related Epidermolysis Bullosa with Pyloric Atresia; Epidermolysis bullosa simplex with pyloric atresia; PLEC1-Related Epidermolysis Bullosa with Pyloric Atresia. Identifiers: Orphanet 158684, MedGen C2677349, MONDO:0012807, OMIM 612138.
Epidermolysis bullosa simplex 5B, with muscular dystrophy (EBS5B). Also called: EPIDERMOLYSIS BULLOSA SIMPLEX AND LIMB-GIRDLE MUSCULAR DYSTROPHY; Epidermolysis bullosa simplex with muscular dystrophy. Identifiers: Orphanet 257, MedGen C2931072, MONDO:0009181, OMIM 226670.
Autosomal recessive limb-girdle muscular dystrophy type 2Q (LGMDR17). Also called: MUSCULAR DYSTROPHY, LIMB-GIRDLE, AUTOSOMAL RECESSIVE 17. Identifiers: Orphanet 254361, MedGen C3150989, MONDO:0013390, OMIM 613723.
Epidermolysis bullosa simplex, Ogna type (EBS5A). Also called: Pidermolysis bullosa simplex 5A, Ogna type; EPIDERMOLYSIS BULLOSA SIMPLEX 5A, OGNA TYPE. Identifiers: Orphanet 79401, MedGen C0432317, MONDO:0007555, OMIM 131950.

Allele frequency attached by ClinVar (database versions not stated): TOPMed 0.05364; gnomAD exomes 0.07303 and 0.05732; 1000 Genomes Project 30x 0.02686; 1000 Genomes Project 0.02756; gnomAD 0.05256; ESP Exome Variant Server 0.05337; ExAC 0.05685.
gnomAD v4.1: 114,091 of 1,603,080 alleles (7.1%); highest among the groups gnomAD compares: Non-Finnish European, 8.3%; 4,628 homozygotes.

Submissions (8):

Labcorp Genetics (formerly Invitae), Labcorp
Classification: Benign for Autosomal recessive limb-girdle muscular dystrophy type 2Q; Epidermolysis bullosa simplex, Ogna type; Epidermolysis bullosa simplex with nail dystrophy; Epidermolysis bullosa simplex 5C, with pyloric atresia; Epidermolysis bullosa simplex 5B, with muscular dystrophy. Last evaluated: 2026-02-02. Review status: criteria provided, single submitter. Criteria: Invitae Variant Classification Sherloc (09022015). Collection method: clinical testing. Allele origin: germline.

GeneDx
Classification: Benign. Last evaluated: 2017-11-03. Review status: criteria provided, single submitter. Criteria: GeneDx Variant Classification (06012015). Collection method: clinical testing. Allele origin: germline. Affected: yes.
Comment: This variant is considered likely benign or benign based on one or more of the following criteria: it is a conservative change, it occurs at a poorly conserved position in the protein, it is predicted to be benign by multiple in silico algorithms, and/or has population frequency not consistent with disease.

Mayo Clinic Laboratories, Mayo Clinic
Classification: Benign. Last evaluated: 2017-07-24. Review status: criteria provided, single submitter. Criteria: ACMG Guidelines, 2015. Collection method: clinical testing. Allele origin: germline. Observed: 165 variant alleles.

Laboratory for Molecular Medicine, Mass General Brigham Personalized Medicine
Classification: Benign. Last evaluated: 2015-01-13. Review status: criteria provided, single submitter. Criteria: LMM Criteria. Collection method: clinical testing. Allele origin: germline. Observed: 2 variant alleles.
Comment: p.Ala3171Val in exon 32 of PLEC: This variant is not expected to have clinical s ignificance because it has been identified in 7.3% (611/8360) of European Americ an chromosomes from a broad population by the NHLBI Exome Sequencing Project (dbSNP rs35858667).

Eurofins Ntd Llc (ga)
Classification: Benign. Last evaluated: 2013-04-22. Review status: criteria provided, single submitter. Criteria: EGL Classification Definitions 2015. Collection method: clinical testing. Allele origin: germline. Observed: 1 variant allele, 1 heterozygote.

Breakthrough Genomics
Classification: Likely benign. Review status: criteria provided, single submitter. Criteria: ACMG Guidelines, 2015. Collection method: not provided. Allele origin: germline. Inheritance: Autosomal recessive inheritance. Affected: yes.

PreventionGenetics, part of Exact Sciences
Classification: Likely benign. Review status: criteria provided, single submitter. Criteria: ACMG Guidelines, 2015. Collection method: clinical testing. Allele origin: germline.

Genetic Services Laboratory, University of Chicago
Classification: Likely benign for AllHighlyPenetrant. Review status: no assertion criteria provided. Collection method: clinical testing. Allele origin: germline. Inheritance: Autosomal recessive inheritance. Not counted in ClinVar's aggregate classification.
Comment: Likely benign based on allele frequency in 1000 Genomes Project or ESP global frequency and its presence in a patient with a rare or unrelated disease phenotype. NOT Sanger confirmed.